The following is an entry in ClinVar:

ClinVar aggregate classification (germline): Uncertain significance (1 of 4 stars; one submission).

Allele frequency attached by ClinVar (database versions not stated): gnomAD exomes 0.00001 and 0.00002; ExAC 0.00002; gnomAD 0.00009 and 0.00010; TOPMed 0.00028; 1000 Genomes Project 0.00040; 1000 Genomes Project 30x 0.00047.
gnomAD v4.1: 31 of 1,583,452 alleles (0.002%); highest among the groups gnomAD compares: Admixed American, 0.032%; no homozygotes.

Submission:

Labcorp Genetics (formerly Invitae), Labcorp
Classification: Uncertain significance. Last evaluated: 2025-09-25. Review status: criteria provided, single submitter. Criteria: Invitae Variant Classification Sherloc (09022015). Collection method: clinical testing. Allele origin: germline.
Comment: This sequence change replaces threonine, which is neutral and polar, with alanine, which is neutral and non-polar, at codon 238 of the CLPX protein (p.Thr238Ala). This variant is present in population databases (rs181452957, gnomAD 0.01%). This variant has not been reported in the literature in individuals affected with CLPX-related conditions. ClinVar contains an entry for this variant (Variation ID: 1382573). An algorithm developed to predict the effect of missense changes on protein structure and function (PolyPhen-2) suggests that this variant is likely to be tolerated. In summary, the available evidence is currently insufficient to determine the role of this variant in disease. Therefore, it has been classified as a Variant of Uncertain Significance.

NM_006660.5(CLPX):c.712A>G (p.Thr238Ala)

Gene: CLPX (caseinolytic mitochondrial matrix peptidase chaperone subunit X; minus strand). Cytogenetic location: 15q22.31.
Variant type: single nucleotide variant.
Coding change: c.712A>G on transcript NM_006660.5 (MANE Select); coding-DNA position 712, A replaced by G.
Protein change: p.Thr238Ala; replaces threonine 238 with alanine.
Molecular consequence: missense variant. On other transcripts: non-coding transcript variant (1).
Genome position (GRCh38, 1-based): chr15:65,162,607, T>C on the plus strand (A>G on the coding strand, the complement: CLPX is on the minus strand). VCF-style: chr15-65162607-T-C. GRCh37 (hg19) VCF-style: chr15-65454945-T-C.
Other names: short protein forms T238A.
Identifiers: ClinVar variation 1382573 (VCV001382573.6), dbSNP rs181452957, ClinGen allele CA7614818.